The following is an entry in ClinVar:

NM_001429.4(EP300):c.4021G>A (p.Ala1341Thr)

Gene: EP300 (EP300 lysine acetyltransferase; plus strand). Cytogenetic location: 22q13.2.
Variant type: single nucleotide variant.
Coding change: c.4021G>A on transcript NM_001429.4 (MANE Select); coding-DNA position 4021, G replaced by A.
Protein change: p.Ala1341Thr; replaces alanine 1341 with threonine.
Molecular consequence: missense variant.
Genome position (GRCh38, 1-based): chr22:41,168,595, G>A. VCF-style: chr22-41168595-G-A. GRCh37 (hg19) VCF-style: chr22-41564599-G-A.
Other names: c.3943G>A, p.Ala1315Thr (NM_001362843.2); c.4021G>A (NM_001429.3); short protein forms A1315T, A1341T.
Identifiers: ClinVar variation 2431613 (VCV002431613.3), dbSNP rs2145762936, ClinGen allele CA411699689.

ClinVar aggregate classification (germline): Uncertain significance. Review status: criteria provided, multiple submitters, no conflicts (2 of 4 stars). 2 submissions from 2 submitters: Uncertain significance (2). Last evaluated 2026-05-13.

Conditions:
EP300-related disorder. Also called: EP300-related disorders; EP300-related condition.
Menke-Hennekam syndrome 2 (MKHK2). Identifiers: MedGen C5193035, MONDO:0020769, OMIM 618333.

Submissions (2):

PreventionGenetics, part of Exact Sciences
Classification: Uncertain significance for EP300-related condition. Last evaluated: 2026-05-13. Review status: criteria provided, single submitter. Criteria: ACMG Guidelines, 2015. Collection method: clinical testing. Allele origin: germline.
Comment: The EP300 c.4021G>A variant is predicted to result in the amino acid substitution p.Ala1341Thr. To our knowledge, this variant has not been reported in the literature or in a large population database (gnomAD), indicating this variant is rare. At this time, the clinical significance of this variant is uncertain due to the absence of conclusive functional and genetic evidence.

Laboratorio de Genetica e Diagnostico Molecular, Hospital Israelita Albert Einstein
Classification: Uncertain significance for Menke-Hennekam syndrome 2. Last evaluated: 2022-07-04. Review status: criteria provided, single submitter. Criteria: ACMG Guidelines, 2015. Collection method: clinical testing. Allele origin: germline. Affected: yes.
Comment: ACMG classification criteria: PM2 moderated